The following is an entry in ClinVar:

ClinVar aggregate classification (germline): Uncertain significance (1 of 4 stars; one submission).

Allele frequency attached by ClinVar (database versions not stated): gnomAD 0.00001.
gnomAD v4.1: 1 of 1,613,976 alleles (0.000062%); highest among the groups gnomAD compares: East Asian, 0.0022%; no homozygotes.

Submission:

CeGaT Center for Human Genetics Tuebingen
Classification: Uncertain significance. Last evaluated: 2023-03-01. Review status: criteria provided, single submitter. Criteria: CeGaT Center For Human Genetics Tuebingen Variant Classification Criteria Version 2. Collection method: clinical testing. Allele origin: germline. Affected: yes. Observed: 1 variant allele.
Comment: RC3H1: PM2

NM_172071.4(RC3H1):c.2081T>C (p.Ile694Thr)

Gene: RC3H1 (ring finger and CCCH-type domains 1; minus strand). Cytogenetic location: 1q25.1.
Variant type: single nucleotide variant.
Coding change: c.2081T>C on transcript NM_172071.4 (MANE Select); coding-DNA position 2081, T replaced by C.
Protein change: p.Ile694Thr; replaces isoleucine 694 with threonine.
Molecular consequence: missense variant.
Genome position (GRCh38, 1-based): chr1:173,961,846, A>G on the plus strand (T>C on the coding strand, the complement: RC3H1 is on the minus strand). VCF-style: chr1-173961846-A-G. GRCh37 (hg19) VCF-style: chr1-173930984-A-G.
Other names: c.2081T>C, p.Ile694Thr (NM_001300850.1, NM_001300851.1, NM_001300852.1); short protein forms I694T.
Identifiers: ClinVar variation 2498439 (VCV002498439.28), dbSNP rs1659894421, ClinGen allele CA343769781.